The following is an entry in ClinVar:

NM_199420.4(POLQ):c.2743G>C (p.Glu915Gln)

Gene: POLQ (DNA polymerase theta; minus strand). Cytogenetic location: 3q13.33.
Variant type: single nucleotide variant.
Coding change: c.2743G>C on transcript NM_199420.4 (MANE Select); coding-DNA position 2743, G replaced by C.
Protein change: p.Glu915Gln; replaces glutamic acid 915 with glutamine.
Molecular consequence: missense variant.
Genome position (GRCh38, 1-based): chr3:121,490,188, C>G on the plus strand (G>C on the coding strand, the complement: POLQ is on the minus strand). VCF-style: chr3-121490188-C-G. GRCh37 (hg19) VCF-style: chr3-121209035-C-G.
Other names: short protein forms E915Q.
Identifiers: ClinVar variation 1795467 (VCV001795467.3), dbSNP rs2546788310, ClinGen allele CA354104853.

ClinVar aggregate classification (germline): Uncertain significance (1 of 4 stars; one submission).

Allele frequency attached by ClinVar (database versions not stated): gnomAD exomes 0.00001.
gnomAD v4.1: 13 of 1,613,546 alleles (0.00081%); highest among the groups gnomAD compares: Non-Finnish European, 0.0011%; no homozygotes.

Submission:

Ambry Genetics
Classification: Uncertain significance. Last evaluated: 2023-06-17. Review status: criteria provided, single submitter. Criteria: Ambry Variant Classification Scheme 2023. Collection method: clinical testing. Allele origin: germline.
Comment: The p.E915Q variant (also known as c.2743G>C), located in coding exon 16 of the POLQ gene, results from a G to C substitution at nucleotide position 2743. The glutamic acid at codon 915 is replaced by glutamine, an amino acid with highly similar properties. This amino acid position is conserved. In addition, this alteration is predicted to be tolerated by in silico analysis. Since supporting evidence is limited at this time, the clinical significance of this alteration remains unclear.